The following is an entry in ClinVar:

NM_000458.4(HNF1B):c.709A>C (p.Lys237Gln)

Genes: HNF1B (HNF1 homeobox B; minus strand), LOC126862549 (BRD4-independent group 4 enhancer GRCh37_chr17:36093401-36094600; plus strand). Cytogenetic location: 17q12.
Variant type: single nucleotide variant.
Coding change: c.709A>C on transcript NM_000458.4 (MANE Select); coding-DNA position 709, A replaced by C.
Protein change: p.Lys237Gln; replaces lysine 237 with glutamine.
Molecular consequence: missense variant.
Genome position (GRCh38, 1-based): chr17:37,733,657, T>G on the plus strand (A>C on the coding strand, the complement: HNF1B is on the minus strand). VCF-style: chr17-37733657-T-G. GRCh37 (hg19) VCF-style: chr17-36093650-T-G.
Other names: c.631A>C, p.Lys211Gln (NM_001165923.4, NM_001304286.2); c.709A>C, p.Lys237Gln (NM_001411100.1); short protein forms K237Q, K211Q.
Identifiers: ClinVar variation 2759227 (VCV002759227.3), dbSNP rs2511809221, ClinGen allele CA398748561.

ClinVar aggregate classification (germline): Uncertain significance (1 of 4 stars; one submission).

Submission:

Labcorp Genetics (formerly Invitae), Labcorp
Classification: Uncertain significance. Last evaluated: 2023-09-08. Review status: criteria provided, single submitter. Criteria: Invitae Variant Classification Sherloc (09022015). Collection method: clinical testing. Allele origin: germline.
Comment: In summary, the available evidence is currently insufficient to determine the role of this variant in disease. Therefore, it has been classified as a Variant of Uncertain Significance. Advanced modeling of protein sequence and biophysical properties (such as structural, functional, and spatial information, amino acid conservation, physicochemical variation, residue mobility, and thermodynamic stability) has been performed at Invitae for this missense variant, however the output from this modeling did not meet the statistical confidence thresholds required to predict the impact of this variant on HNF1B protein function. This variant has not been reported in the literature in individuals affected with HNF1B-related conditions. This variant is not present in population databases (gnomAD no frequency). This sequence change replaces lysine, which is basic and polar, with glutamine, which is neutral and polar, at codon 237 of the HNF1B protein (p.Lys237Gln).